The following is an entry in ClinVar:

ClinVar aggregate classification (germline): Uncertain significance. Review status: criteria provided, multiple submitters, no conflicts (2 of 4 stars). 2 submissions from 2 submitters: Uncertain significance (2). Last evaluated 2024-10-22.

Conditions:
Inborn genetic diseases. Identifiers: MedGen C0950123, MeSH D030342.

Allele frequency attached by ClinVar (database versions not stated): gnomAD 0.00005; TOPMed 0.00006; ExAC 0.00008.
gnomAD v4.1: 74 of 1,612,922 alleles (0.0046%); highest among the groups gnomAD compares: Middle Eastern, 0.05%; no homozygotes.

Submissions (2):

Labcorp Genetics (formerly Invitae), Labcorp
Classification: Uncertain significance. Last evaluated: 2024-10-22. Review status: criteria provided, single submitter. Criteria: Invitae Variant Classification Sherloc (09022015). Collection method: clinical testing. Allele origin: germline.
Comment: This sequence change replaces methionine, which is neutral and non-polar, with valine, which is neutral and non-polar, at codon 885 of the DHX37 protein (p.Met885Val). This variant is present in population databases (rs760900691, gnomAD 0.02%). This variant has not been reported in the literature in individuals affected with DHX37-related conditions. Invitae Evidence Modeling of protein sequence and biophysical properties (such as structural, functional, and spatial information, amino acid conservation, physicochemical variation, residue mobility, and thermodynamic stability) indicates that this missense variant is not expected to disrupt DHX37 protein function with a negative predictive value of 80%. In summary, the available evidence is currently insufficient to determine the role of this variant in disease. Therefore, it has been classified as a Variant of Uncertain Significance.

Ambry Genetics
Classification: Uncertain significance for Inborn genetic diseases. Last evaluated: 2023-12-18. Review status: criteria provided, single submitter. Criteria: Ambry Variant Classification Scheme 2023. Collection method: clinical testing. Allele origin: germline.

NM_032656.4(DHX37):c.2653A>G (p.Met885Val)

Gene: DHX37 (DEAH-box helicase 37; minus strand). Cytogenetic location: 12q24.31.
Variant type: single nucleotide variant.
Coding change: c.2653A>G on transcript NM_032656.4 (MANE Select); coding-DNA position 2653, A replaced by G.
Protein change: p.Met885Val; replaces methionine 885 with valine.
Molecular consequence: missense variant.
Genome position (GRCh38, 1-based): chr12:124,953,922, T>C on the plus strand (A>G on the coding strand, the complement: DHX37 is on the minus strand). VCF-style: chr12-124953922-T-C. GRCh37 (hg19) VCF-style: chr12-125438468-T-C.
Other names: short protein forms M885V.
Identifiers: ClinVar variation 3082269 (VCV003082269.3), dbSNP rs760900691, ClinGen allele CA6871557.